The following is an entry in ClinVar:

NM_006648.4(WNK2):c.3862G>A (p.Gly1288Arg)

Gene: WNK2 (WNK lysine deficient protein kinase 2; plus strand). Cytogenetic location: 9q22.31.
Variant type: single nucleotide variant.
Coding change: c.3862G>A on transcript NM_006648.4 (MANE Select); coding-DNA position 3862, G replaced by A.
Protein change: p.Gly1288Arg; replaces glycine 1288 with arginine.
Molecular consequence: missense variant.
Genome position (GRCh38, 1-based): chr9:93,267,911, G>A. VCF-style: chr9-93267911-G-A. GRCh37 (hg19) VCF-style: chr9-96030193-G-A.
Other names: c.3862G>A, p.Gly1288Arg (NM_001282394.3); short protein forms G1288R.
Identifiers: ClinVar variation 2468635 (VCV002468635.3), dbSNP rs149250469, ClinGen allele CA5130088.
Genomic context (GRCh38, chr9:93,267,911, plus strand): 5'-GACCGTGGCTCCGACCCAGGGACCAGCCCGCCACACCTCAGCACCTGCGGCCTGGGCACC[G>A]GGGAGGTGAGGTTGTGAAATCCGGGGTGGGAGGTGGTGAGAGTGCAGTGGCTGGGCAGGT-3'
Protein context (NP_006639.3, residues 1278-1298): PHLSTCGLGT[Gly1288Arg]EESRQSQANA

ClinVar aggregate classification (germline): Uncertain significance (1 of 4 stars; one submission).

Allele frequency attached by ClinVar (database versions not stated): ExAC 0.00009; gnomAD exomes 0.00009; ESP Exome Variant Server 0.00015; gnomAD 0.00019; 1000 Genomes Project 0.00020; TOPMed 0.00030; 1000 Genomes Project 30x 0.00031.
gnomAD v4.1: 162 of 1,611,884 alleles (0.01%); highest among the groups gnomAD compares: African/African-American, 0.063%; no homozygotes.

Submission:

Ambry Genetics
Classification: Uncertain significance. Last evaluated: 2024-10-15. Review status: criteria provided, single submitter. Criteria: Ambry Variant Classification Scheme 2023. Collection method: clinical testing. Allele origin: germline.
Comment: The p.G1288R variant (also known as c.3862G>A), located in coding exon 16 of the WNK2 gene, results from a G to A substitution at nucleotide position 3862. The glycine at codon 1288 is replaced by arginine, an amino acid with dissimilar properties. This amino acid position is conserved. In addition, this alteration is predicted to be tolerated by in silico analysis. Based on the available evidence, the clinical significance of this variant remains unclear.